The following is an entry in ClinVar:

NM_001376.5(DYNC1H1):c.10526T>C (p.Leu3509Ser)

Gene: DYNC1H1 (dynein cytoplasmic 1 heavy chain 1; plus strand). Cytogenetic location: 14q32.31.
Variant type: single nucleotide variant.
Coding change: c.10526T>C on transcript NM_001376.5 (MANE Select); coding-DNA position 10526, T replaced by C.
Protein change: p.Leu3509Ser; replaces leucine 3509 with serine.
Molecular consequence: missense variant.
Genome position (GRCh38, 1-based): chr14:102,034,088, T>C. VCF-style: chr14-102034088-T-C. GRCh37 (hg19) VCF-style: chr14-102500425-T-C.
Other names: short protein forms L3509S.
Identifiers: ClinVar variation 2836675 (VCV002836675.3), dbSNP rs1349769503, ClinGen allele CA391027023.
Genomic context (GRCh38, chr14:102,034,088, plus strand): 5'-GGGAAAAAACAAGTGAAACTTTCAAAAACCAGATGTCCACCATTGCTGGGGACTGTCTCT[T>C]GTCAGCTGCGTTCATTGCCTACGCGGGTTACTTTGACCAGCAGATGCGTCAGAACTTGTT-3'
Protein context (NP_001367.2, residues 3499-3519): QMSTIAGDCL[Leu3509Ser]SAAFIAYAGY

ClinVar aggregate classification (germline): Uncertain significance (1 of 4 stars; one submission).

Conditions:
Charcot-Marie-Tooth disease axonal type 2O. Also called: Charcot-Marie-Tooth disease, axonal, type 20; CHARCOT-MARIE-TOOTH NEUROPATHY, AXONAL, TYPE 2O; CHARCOT-MARIE-TOOTH DISEASE, AXONAL, AUTOSOMAL DOMINANT, TYPE 2O; Charcot-Marie-Tooth Neuropathy Type 2O. Identifiers: Orphanet 284232, MedGen C3280220, MONDO:0013644, OMIM 614228.

Allele frequency attached by ClinVar (database versions not stated): gnomAD exomes below 0.00001; TOPMed below 0.00001.
gnomAD v4.1: 2 of 1,614,138 alleles (0.00012%); highest among the groups gnomAD compares: Non-Finnish European, 0.00017%; no homozygotes.

Submission:

Labcorp Genetics (formerly Invitae), Labcorp
Classification: Uncertain significance for Charcot-Marie-Tooth disease axonal type 2O. Last evaluated: 2023-02-13. Review status: criteria provided, single submitter. Criteria: Invitae Variant Classification Sherloc (09022015). Collection method: clinical testing. Allele origin: germline.
Comment: Advanced modeling of protein sequence and biophysical properties (such as structural, functional, and spatial information, amino acid conservation, physicochemical variation, residue mobility, and thermodynamic stability) performed at Invitae indicates that this missense variant is expected to disrupt DYNC1H1 protein function. In summary, the available evidence is currently insufficient to determine the role of this variant in disease. Therefore, it has been classified as a Variant of Uncertain Significance. This variant has not been reported in the literature in individuals affected with DYNC1H1-related conditions. This sequence change replaces leucine, which is neutral and non-polar, with serine, which is neutral and polar, at codon 3509 of the DYNC1H1 protein (p.Leu3509Ser). This variant is not present in population databases (gnomAD no frequency).